The following is an entry in ClinVar:

ClinVar aggregate classification (germline): Conflicting classifications of pathogenicity. Review status: criteria provided, conflicting classifications (1 of 4 stars). 4 submissions from 4 submitters: Uncertain significance (1); Benign (1); Likely benign (2). Last evaluated 2026-02-01.

Conditions:
Pallister-Hall syndrome (PHS). Also called: HYPOTHALAMIC HAMARTOBLASTOMA, HYPOPITUITARISM, IMPERFORATE ANUS, AND POSTAXIAL POLYDACTYLY; GLI3-Related Pallister-Hall Syndrome. Identifiers: Orphanet 672, MedGen C0265220, MONDO:0007804, OMIM 146510.
Greig cephalopolysyndactyly syndrome (GCPS). Also called: GLI3-Related Greig Cephalopolysyndactyly Syndrome; POLYSYNDACTYLY WITH PECULIAR SKULL SHAPE; Greig syndrome. Identifiers: Orphanet 380, MedGen C0265306, MONDO:0008287, OMIM 175700.

Allele frequency attached by ClinVar (database versions not stated): 1000 Genomes Project 30x 0.00047; TOPMed 0.00050; 1000 Genomes Project 0.00060.
gnomAD v4.1: 125 of 1,608,184 alleles (0.0078%); highest among the groups gnomAD compares: African/African-American, 0.13%; no homozygotes.

Submissions (4):

CeGaT Center for Human Genetics Tuebingen
Classification: Likely benign. Last evaluated: 2026-02-01. Review status: criteria provided, single submitter. Criteria: CeGaT Center For Human Genetics Tuebingen Variant Classification Criteria Version 2. Collection method: clinical testing. Allele origin: germline. Affected: yes. Observed: 1 variant allele.
Comment: GLI3: BP4, BP7

Labcorp Genetics (formerly Invitae), Labcorp
Classification: Benign for Pallister-Hall syndrome; Greig cephalopolysyndactyly syndrome. Last evaluated: 2025-12-15. Review status: criteria provided, single submitter. Criteria: Invitae Variant Classification Sherloc (09022015). Collection method: clinical testing. Allele origin: germline.

GeneDx
Classification: Likely benign. Last evaluated: 2020-12-30. Review status: criteria provided, single submitter. Criteria: GeneDx Variant Classification Process June 2021. Collection method: clinical testing. Allele origin: germline. Affected: yes.

Eurofins Ntd Llc (ga)
Classification: Uncertain significance. Last evaluated: 2015-10-08. Review status: criteria provided, single submitter. Criteria: EGL Classification Definitions 2015. Collection method: clinical testing. Allele origin: germline. Observed: 1 variant allele, 1 heterozygote.

NM_000168.6(GLI3):c.2826G>T (p.Pro942=)

Gene: GLI3 (GLI family zinc finger 3; minus strand). Cytogenetic location: 7p14.1.
Variant type: single nucleotide variant.
Coding change: c.2826G>T on transcript NM_000168.6 (MANE Select); coding-DNA position 2826, G replaced by T.
Protein change: p.Pro942=; no amino-acid change (proline 942 retained).
Molecular consequence: synonymous variant.
Genome position (GRCh38, 1-based): chr7:41,966,247, C>A on the plus strand (G>T on the coding strand, the complement: GLI3 is on the minus strand). VCF-style: chr7-41966247-C-A. GRCh37 (hg19) VCF-style: chr7-42005845-C-A.
Identifiers: ClinVar variation 283592 (VCV000283592.20), dbSNP rs34245321, ClinGen allele CA4230519.